The following is an entry in ClinVar:

ClinVar aggregate classification (germline): Likely pathogenic (1 of 4 stars; one submission).

Conditions:
Fabry disease. Also called: ALPHA-GALACTOSIDASE A DEFICIENCY; ANDERSON-FABRY DISEASE; CERAMIDE TRIHEXOSIDASE DEFICIENCY; GLA DEFICIENCY; HEREDITARY DYSTOPIC LIPIDOSIS; Angiokeratoma corporis diffusum. Identifiers: Orphanet 324, MedGen C0002986, MONDO:0010526, OMIM 301500, HP:0001071. Disease mechanism: Fabry disease is due to inactivating mutations in the X-linked GLA gene resulting in deficiency of the enzyme Alpha Galactosidase-A., loss of function.

Submission:

Genomenon, Inc
Classification: Likely pathogenic for Fabry disease. Last evaluated: 2026-09-08. Review status: criteria provided, single submitter. Criteria: Genomenon Sequence Variant Interpretation Standards - Updated. Collection method: curation. Allele origin: germline. Affected: yes.
Comment: GLA p.Thr41Ile (c.122C>T) is a missense variant that changes the amino acid at codon 41 from Threonine to Isoleucine. This variant has been observed in at least one proband with clinical features consistent with Fabry disease (PMID:27657681;37626912;16595074). Functional or patient cell studies have been reported (PMID:21598360;18698230;27657681). This variant is located in a mutational hotspot and/or important functional domain. It is absent or not present at a significant frequency in gnomAD. In silico models predict that this variant is possibly or probably damaging. In conclusion, we classify GLA p.Thr41Ile (c.122C>T) as a likely pathogenic variant.

Literature cited by the submitters: PubMed 27657681; PubMed 37626912; PubMed 16595074; PubMed 21598360; PubMed 18698230.

NM_000169.3(GLA):c.122C>T (p.Thr41Ile)

Genes: GLA (galactosidase alpha; minus strand), RPL36A-HNRNPH2 (RPL36A-HNRNPH2 readthrough; plus strand). Cytogenetic location: Xq22.1.
Variant type: single nucleotide variant.
Coding change: c.122C>T on transcript NM_000169.3 (MANE Select); coding-DNA position 122, C replaced by T.
Protein change: p.Thr41Ile; replaces threonine 41 with isoleucine.
Molecular consequence: missense variant. On other transcripts: non-coding transcript variant (3), intron variant (2).
Genome position (GRCh38, 1-based): chrX:101,407,782, G>A on the plus strand (C>T on the coding strand, the complement: GLA is on the minus strand). VCF-style: chrX-101407782-G-A. GRCh37 (hg19) VCF-style: chrX-100662770-G-A.
Other names: c.122C>T, p.Thr41Ile (NM_001406747.1, NM_001406748.1, NM_001406749.1); c.301-4154G>A (NM_001199973.2); c.178-4154G>A (NM_001199974.2); short protein forms T41I.
Identifiers: ClinVar variation 4087583 (VCV004087583.2).
Genomic context (GRCh38, chrX:101,407,782, plus strand): 5'-TCTGGCTCTTCCTGGCAGTCAAGGTTGCACATGAAGCGCTCCCAGTGCAGCCAGCCCATG[G>A]TAGGCGTCCTTGCCAATCCATTGTCCAGTGCTCTAGCCCCAGGGATGTCCCAGGAAACGA-3'
Protein context (NP_000160.1, residues 31-51): ALDNGLARTP[Thr41Ile]MGWLHWERFM